The following is an entry in ClinVar:

NM_004958.4(MTOR):c.5873A>G (p.His1958Arg)

Gene: MTOR (mechanistic target of rapamycin kinase; minus strand). Cytogenetic location: 1p36.22.
Variant type: single nucleotide variant.
Coding change: c.5873A>G on transcript NM_004958.4 (MANE Select); coding-DNA position 5873, A replaced by G.
Protein change: p.His1958Arg; replaces histidine 1958 with arginine.
Molecular consequence: missense variant.
Genome position (GRCh38, 1-based): chr1:11,128,491, T>C on the plus strand (A>G on the coding strand, the complement: MTOR is on the minus strand). VCF-style: chr1-11128491-T-C. GRCh37 (hg19) VCF-style: chr1-11188548-T-C.
Other names: c.5873A>G, p.His1958Arg (NM_001386500.1); c.4625A>G, p.His1542Arg (NM_001386501.1); short protein forms H1958R, H1542R.
Identifiers: ClinVar variation 4983105 (VCV004983105.1).

ClinVar aggregate classification (germline): Uncertain significance (1 of 4 stars; one submission).

Conditions:
MTOR-related disorder. Also called: MTOR-related condition.

Submission:

PreventionGenetics, part of Exact Sciences
Classification: Uncertain significance for MTOR-related condition. Last evaluated: 2025-03-07. Review status: criteria provided, single submitter. Criteria: ACMG Guidelines, 2015. Collection method: clinical testing. Allele origin: germline.
Comment: The MTOR c.5873A>G variant is predicted to result in the amino acid substitution p.His1958Arg. To our knowledge, this variant has not been reported in the literature or in a large population database (gnomAD), indicating this variant is rare. At this time, the clinical significance of this variant is uncertain due to the absence of conclusive functional and genetic evidence.